The following is an entry in ClinVar:

NM_000348.4(SRD5A2):c.211C>T (p.Gln71Ter)

Gene: SRD5A2 (steroid 5 alpha-reductase 2; minus strand). Cytogenetic location: 2p23.1.
Variant type: single nucleotide variant.
Coding change: c.211C>T on transcript NM_000348.4 (MANE Select); coding-DNA position 211, C replaced by T.
Protein change: p.Gln71Ter; replaces glutamine 71 with a stop codon.
Molecular consequence: nonsense.
Genome position (GRCh38, 1-based): chr2:31,580,690, G>A on the plus strand (C>T on the coding strand, the complement: SRD5A2 is on the minus strand). VCF-style: chr2-31580690-G-A. GRCh37 (hg19) VCF-style: chr2-31805760-G-A.
Other names: c.211C>T (NM_000348.3); short protein forms Q71*.
Identifiers: ClinVar variation 403724 (VCV000403724.9), dbSNP rs1060499834, ClinGen allele CA16609845.

ClinVar aggregate classification (germline): Pathogenic. Review status: criteria provided, multiple submitters, no conflicts (2 of 4 stars). 5 submissions from 5 submitters: Pathogenic (4). 1 of the submissions does not count toward it. Last evaluated 2025-12-30.

Conditions:
3-Oxo-5 alpha-steroid delta 4-dehydrogenase deficiency (PPSH). Also called: PSEUDOVAGINAL PERINEOSCROTAL HYPOSPADIAS; FAMILIAL INCOMPLETE MALE PSEUDOHERMAPHRODITISM, TYPE 2; MALE PSEUDOHERMAPHRODITISM DUE TO 5-ALPHA-REDUCTASE DEFICIENCY; 46,XY disorder of sex development due to 5-alpha-reductase 2 deficiency. Identifiers: Orphanet 753, MedGen C0268297, MONDO:0009923, OMIM 264600. Disease mechanism: loss of function.

Allele frequency attached by ClinVar (database versions not stated): gnomAD exomes below 0.00001 and 0.00001; TOPMed below 0.00001.

Submissions (5):

Labcorp Genetics (formerly Invitae), Labcorp
Classification: Pathogenic for 3-Oxo-5 alpha-steroid delta 4-dehydrogenase deficiency. Last evaluated: 2025-12-30. Review status: criteria provided, single submitter. Criteria: Invitae Variant Classification Sherloc (09022015). Collection method: clinical testing. Allele origin: germline.
Comment: This sequence change creates a premature translational stop signal (p.Gln71*) in the SRD5A2 gene. It is expected to result in an absent or disrupted protein product. Loss-of-function variants in SRD5A2 are known to be pathogenic (PMID: 1406794, 1944596). This variant is present in population databases (no rsID available, gnomAD 0.01%). This premature translational stop signal has been observed in individuals with steroid-5 alpha-reductase deficiency (PMID: 20736251, 22453073). ClinVar contains an entry for this variant (Variation ID: 403724). For these reasons, this variant has been classified as Pathogenic.

Fulgent Genetics
Classification: Pathogenic for 3-Oxo-5 alpha-steroid delta 4-dehydrogenase deficiency. Last evaluated: 2024-02-08. Review status: criteria provided, single submitter. Criteria: ACMG Guidelines, 2015. Collection method: clinical testing. Allele origin: germline.

Shenzhen Institute of Pediatrics, Shenzhen Children's Hospital
Classification: Pathogenic for 3-Oxo-5 alpha-steroid delta 4-dehydrogenase deficiency. Last evaluated: 2015-10-30. Review status: criteria provided, single submitter. Criteria: ACMG Guidelines, 2015. Collection method: clinical testing. Allele origin: paternal. Inheritance: Autosomal recessive inheritance. Affected: yes. Observed: 1 variant allele, 1 heterozygote.
Comment: the genetype:ï¼»c.211C>Tï¼ˆp.Gln71*ï¼‰ï¼½ï¼‹ï¼»c.680G>Aï¼ˆp.Arg227Glnï¼‰ï¼½

Juno Genomics, Hangzhou Juno Genomics, Inc
Classification: Pathogenic for 3-Oxo-5 alpha-steroid delta 4-dehydrogenase deficiency. Review status: criteria provided, single submitter. Criteria: ACMG Guidelines, 2015. Collection method: clinical testing. Allele origin: germline. Affected: yes.
Comment: Absent from controls (or at extremely low frequency if recessive) in Genome Aggregation Database, Exome Sequencing Project, 1000 Genomes Project, or Exome Aggregation Consortium.;Null variant in a gene where loss of function (LOF) is a known mechanism of disease.;For recessive disorders, detected in trans with a pathogenic variant.;Patient's phenotype or family history is highly specific for a disease with a single genetic etiology.

Prenatal Diagnostic Center, Guangzhou Women and Children's Medical Center
Classification: Likely pathogenic for 3-Oxo-5 alpha-steroid delta 4-dehydrogenase deficiency. Last evaluated: 2022-08-25. Review status: no assertion criteria provided. Collection method: clinical testing. Allele origin: paternal. Affected: yes. Not counted in ClinVar's aggregate classification.

Literature cited by the submitters: PubMed 1406794 (cited by Labcorp Genetics (formerly Invitae), Labcorp); PubMed 1944596 (cited by Labcorp Genetics (formerly Invitae), Labcorp); PubMed 20736251 (cited by Labcorp Genetics (formerly Invitae), Labcorp and Prenatal Diagnostic Center, Guangzhou Women and Children's Medical Center); PubMed 22453073 (cited by Labcorp Genetics (formerly Invitae), Labcorp and Prenatal Diagnostic Center, Guangzhou Women and Children's Medical Center); PubMed 28663096 (cited by Prenatal Diagnostic Center, Guangzhou Women and Children's Medical Center).